The following is an entry in ClinVar:

NM_144499.3(GNAT1):c.367_368delinsCA (p.Ile123His)

Gene: GNAT1 (G protein subunit alpha transducin 1; plus strand). Cytogenetic location: 3p21.31.
Variant type: Indel.
Coding change: c.367_368delinsCA on transcript NM_144499.3 (MANE Select); coding-DNA positions 367 to 368, AT replaced by CA.
Protein change: p.Ile123His; replaces isoleucine 123 with histidine.
Molecular consequence: missense variant.
Genome position (GRCh38, 1-based): chr3:50,193,581-50,193,582, AT replaced by CA. VCF-style: chr3-50193581-AT-CA. GRCh37 (hg19) VCF-style: chr3-50231014-AT-CA.
Other names: c.367_368delinsCA, p.Ile123His (NM_000172.4); short protein forms I123H.
Identifiers: ClinVar variation 2129584 (VCV002129584.4), dbSNP rs2546144861, ClinGen allele CA2580070120.

ClinVar aggregate classification (germline): Uncertain significance (1 of 4 stars; one submission).

Submission:

Labcorp Genetics (formerly Invitae), Labcorp
Classification: Uncertain significance. Last evaluated: 2023-07-17. Review status: criteria provided, single submitter. Criteria: Invitae Variant Classification Sherloc (09022015). Collection method: clinical testing. Allele origin: germline.
Comment: This variant has not been reported in the literature in individuals affected with GNAT1-related conditions. In summary, the available evidence is currently insufficient to determine the role of this variant in disease. Therefore, it has been classified as a Variant of Uncertain Significance. An algorithm developed to predict the effect of missense changes on protein structure and function (PolyPhen-2) suggests that this variant is likely to be disruptive. ClinVar contains an entry for this variant (Variation ID: 2129584). Information on the frequency of this variant in the gnomAD database is not available, as this variant may be reported differently in the database. This sequence change replaces isoleucine, which is neutral and non-polar, with histidine, which is basic and polar, at codon 123 of the GNAT1 protein (p.Ile123His).